The following is an entry in ClinVar:

ClinVar aggregate classification (germline): Likely benign. Review status: criteria provided, multiple submitters, no conflicts (2 of 4 stars). 2 submissions from 2 submitters: Likely benign (2). Last evaluated 2025-09-04.

Conditions:
WDR4-related disorder. Also called: WDR4-related condition; WDR4-Related Disorders.

Allele frequency attached by ClinVar (database versions not stated): ExAC 0.00007; TOPMed 0.00007; gnomAD exomes 0.00008; gnomAD 0.00009; ESP Exome Variant Server 0.00015.
gnomAD v4.1: 126 of 1,613,946 alleles (0.0078%); highest among the groups gnomAD compares: East Asian, 0.018%; no homozygotes.

Submissions (2):

PreventionGenetics, part of Exact Sciences
Classification: Likely benign for WDR4-related condition. Last evaluated: 2025-09-04. Review status: criteria provided, single submitter. Criteria: ACMG Guidelines, 2015. Collection method: clinical testing. Allele origin: germline.
Comment: This variant is classified as likely benign based on ACMG/AMP sequence variant interpretation guidelines (Richards et al. 2015 PMID: 25741868, with internal and published modifications).

Labcorp Genetics (formerly Invitae), Labcorp
Classification: Likely benign. Last evaluated: 2023-08-31. Review status: criteria provided, single submitter. Criteria: Invitae Variant Classification Sherloc (09022015). Collection method: clinical testing. Allele origin: germline.

NM_018669.6(WDR4):c.282A>G (p.Gln94=)

Gene: WDR4 (WDR4 tRNA N7-guanosine methyltransferase non-catalytic subunit; minus strand). Cytogenetic location: 21q22.3.
Variant type: single nucleotide variant.
Coding change: c.282A>G on transcript NM_018669.6 (MANE Select); coding-DNA position 282, A replaced by G.
Protein change: p.Gln94=; no amino-acid change (glutamine 94 retained).
Molecular consequence: synonymous variant. On other transcripts: non-coding transcript variant (1), intron variant (3).
Genome position (GRCh38, 1-based): chr21:42,873,565, T>C on the plus strand (A>G on the coding strand, the complement: WDR4 is on the minus strand). VCF-style: chr21-42873565-T-C. GRCh37 (hg19) VCF-style: chr21-44293675-T-C.
Other names: c.282A>G, p.Gln94= (NM_001260474.2, NM_033661.5); c.-143+38A>G (NM_001260476.2, NM_001260475.2, NM_001260477.2); c.282A>G (NM_033661.4).
Identifiers: ClinVar variation 2905984 (VCV002905984.4), dbSNP rs375239188, ClinGen allele CA10046205.
Genomic context (GRCh38, chr21:42,873,565, plus strand): 5'-AGGTGTGCATTCGACATCTTAAGAATCCAGCGTTAGCATCTCATACCTGACACTCAGACA[T>C]TGCCATGGTTTTGTACGGAAAAGAATCAGACGCTTACTGTCATCGGTTAAAGCAAAATAG-3'
Protein context (NP_061139.2, residues 84-104): RLILFRTKPW[Gln94=]CLSVRTVARR